The following is an entry in ClinVar:

NM_032638.5(GATA2):c.826_829dup (p.Ser277fs)

Gene: GATA2 (GATA binding protein 2; minus strand). Cytogenetic location: 3q21.3.
Variant type: Duplication.
Coding change: c.826_829dup on transcript NM_032638.5 (MANE Select); coding-DNA positions 826 to 829, 4 bases duplicated (TCCA; older notation c.826_829dupTCCA).
Protein change: p.Ser277fs; shifts the reading frame from serine 277.
Molecular consequence: frameshift variant.
Genome position (GRCh38, 1-based): chr3:128,485,769-128,485,772, TGGA duplicated on the plus strand (TCCA on the coding strand, the reverse complement: GATA2 is on the minus strand). VCF-style (leftmost placement, unchanged base first): chr3-128485768-C-CTGGA. GRCh37 (hg19) VCF-style: chr3-128204611-C-CTGGA.
Other names: c.826_829dup, p.Ser277fs (NM_001145661.2, NM_001145662.1); c.826_829dupTCCA (NM_032638.4); short protein forms S277fs.
Identifiers: ClinVar variation 3853005 (VCV003853005.1).

ClinVar aggregate classification (germline): Pathogenic (1 of 4 stars; one submission).

Conditions:
Inborn genetic diseases. Identifiers: MedGen C0950123, MeSH D030342.

Submission:

Ambry Genetics
Classification: Pathogenic for Inborn genetic diseases. Last evaluated: 2025-01-28. Review status: criteria provided, single submitter. Criteria: Ambry Variant Classification Scheme 2023. Collection method: clinical testing. Allele origin: germline.
Comment: The c.826_829dupTCCA pathogenic mutation, located in coding exon 2 of the GATA2 gene, results from a duplication of TCCA at nucleotide position 826, causing a translational frameshift with a predicted alternate stop codon (p.S277Ifs*6). This variant is considered to be rare based on population cohorts in the Genome Aggregation Database (gnomAD). This alteration is expected to result in loss of function by premature protein truncation or nonsense-mediated mRNA decay. As such, this alteration is interpreted as a disease-causing mutation.